The following is an entry in ClinVar:

NM_000400.4(ERCC2):c.1354C>T (p.Gln452Ter)

Gene: ERCC2 (ERCC excision repair 2, TFIIH core complex helicase subunit; minus strand). Cytogenetic location: 19q13.32.
Variant type: single nucleotide variant.
Coding change: c.1354C>T on transcript NM_000400.4 (MANE Select); coding-DNA position 1354, C replaced by T.
Protein change: p.Gln452Ter; replaces glutamine 452 with a stop codon.
Molecular consequence: nonsense.
Genome position (GRCh38, 1-based): chr19:45,357,497, G>A on the plus strand (C>T on the coding strand, the complement: ERCC2 is on the minus strand). VCF-style: chr19-45357497-G-A. GRCh37 (hg19) VCF-style: chr19-45860755-G-A.
Other names: c.1354C>T (NM_000400.3); short protein forms Q452*.
Identifiers: ClinVar variation 1455083 (VCV001455083.11), dbSNP rs199643821, ClinGen allele CA308959192.

ClinVar aggregate classification (germline): Pathogenic. Review status: criteria provided, multiple submitters, no conflicts (2 of 4 stars). 6 submissions from 6 submitters: Pathogenic (6). Last evaluated 2026-10-23.

Conditions:
Cerebrooculofacioskeletal syndrome 2 (COFS2). Identifiers: MedGen C1853102, MONDO:0012553, OMIM 610756.
ERCC2-related disorder. Also called: ERCC2-related disorders; ERCC2-related conditions; ERCC2-related condition. Identifiers: MedGen CN239291.
Xeroderma pigmentosum, group D (XPD). Also called: ERCC2-Related Xeroderma Pigmentosum; XERODERMA PIGMENTOSUM, COMPLEMENTATION GROUP D; XERODERMA PIGMENTOSUM IV; XP, GROUP D; XP, GROUP H. Identifiers: MedGen C0268138, MONDO:0010212, OMIM 278730.
Trichothiodystrophy 1, photosensitive (TTD1). Also called: TAY SYNDROME; TRICHOTHIODYSTROPHY WITH CONGENITAL ICHTHYOSIS; PIBIDS SYNDROME. Identifiers: Orphanet 33364, MedGen C1866504, MONDO:0011125, OMIM 601675.

Allele frequency attached by ClinVar (database versions not stated): gnomAD exomes 0.00001; gnomAD 0.00002.
gnomAD v4.1: 15 of 1,614,084 alleles (0.00093%); highest among the groups gnomAD compares: Admixed American, 0.01%; no homozygotes.

Submissions (6):

Gene Mapping Laboratory, Hacettepe University
Classification: Pathogenic for Trichothiodystrophy 1, photosensitive. Last evaluated: 2026-10-23. Review status: criteria provided, single submitter. Criteria: ACMG Guidelines, 2015. Collection method: research. Allele origin: inherited. Inheritance: Autosomal recessive inheritance. Affected: yes. Observed: 1 variant allele, 1 compound heterozygote.
Comment: This nonsense variant introduces a premature termination codon and is predicted to result in loss of ERCC2 function (PVS1). This variant has been associated with disease in ClinVar (PP5). It is a rare variant in gnomAD (PM2). The variant is heterozygous; however, it is found in trans with the likely pathogenic c.2164C>T (p.Arg722Trp) variant. The individual's phenotype that involves ichthyosis, brittle hair, developmental delay, and growth restriction (PP4) support its pathogenic classification.

Labcorp Genetics (formerly Invitae), Labcorp
Classification: Pathogenic. Last evaluated: 2024-10-26. Review status: criteria provided, single submitter. Criteria: Invitae Variant Classification Sherloc (09022015). Collection method: clinical testing. Allele origin: germline.
Comment: This sequence change creates a premature translational stop signal (p.Gln452*) in the ERCC2 gene. It is expected to result in an absent or disrupted protein product. Loss-of-function variants in ERCC2 are known to be pathogenic (PMID: 9238033, 11335038, 19085937, 19934020). This variant is not present in population databases (gnomAD no frequency). This premature translational stop signal has been observed in individual(s) with xeroderma pigmentosum (PMID: 19934020, 32047639). ClinVar contains an entry for this variant (Variation ID: 1455083). Algorithms developed to predict the effect of variants on gene product structure and function are not available or were not evaluated for this variant. Experimental studies have shown that this premature translational stop signal affects ERCC2 function (PMID: 19934020). For these reasons, this variant has been classified as Pathogenic.

Fulgent Genetics
Classification: Pathogenic for Xeroderma pigmentosum, group D; Trichothiodystrophy 1, photosensitive; Cerebrooculofacioskeletal syndrome 2. Last evaluated: 2024-04-25. Review status: criteria provided, single submitter. Criteria: ACMG Guidelines, 2015. Collection method: clinical testing. Allele origin: germline.

Baylor Genetics
Classification: Pathogenic for Cerebrooculofacioskeletal syndrome 2. Last evaluated: 2024-01-16. Review status: criteria provided, single submitter. Criteria: ACMG Guidelines, 2015. Collection method: clinical testing. Allele origin: unknown.

Blueprint Genetics
Classification: Pathogenic for ERCC2-related disorders. Last evaluated: 2023-07-07. Review status: criteria provided, single submitter. Criteria: ACMG Guidelines, 2015. Collection method: clinical testing. Allele origin: germline. Affected: yes. Observed: 3 variant alleles.

GeneDx
Classification: Pathogenic. Last evaluated: 2023-03-07. Review status: criteria provided, single submitter. Criteria: GeneDx Variant Classification Process June 2021. Collection method: clinical testing. Allele origin: germline. Affected: yes.
Comment: Nonsense variant predicted to result in protein truncation or nonsense mediated decay in a gene for which loss of function is a known mechanism of disease; Published functional studies demonstrate that this variant impairs DNA repair activities, transcription activity, and transactivation mediated by nuclear receptors (PMID: 19934020); Not observed at significant frequency in large population cohorts (gnomAD); This variant is associated with the following publications: (PMID: 25525159, 34426522, 31263571, 33084842, 19934020, 32047639)

Literature cited by the submitters: PubMed 9238033 (cited by Labcorp Genetics (formerly Invitae), Labcorp); PubMed 11335038 (cited by Labcorp Genetics (formerly Invitae), Labcorp); PubMed 19085937 (cited by Labcorp Genetics (formerly Invitae), Labcorp); PubMed 19934020 (cited by Labcorp Genetics (formerly Invitae), Labcorp); PubMed 32047639 (cited by Labcorp Genetics (formerly Invitae), Labcorp).